The following is an entry in ClinVar:

ClinVar aggregate classification (germline): Pathogenic. Review status: criteria provided, multiple submitters, no conflicts (2 of 4 stars). 2 submissions from 2 submitters: Pathogenic (2). Last evaluated 2024-10-09.

Conditions:
Cardiovascular phenotype. Identifiers: MedGen CN230736.
Hereditary cancer-predisposing syndrome. Also called: Hereditary neoplastic syndrome; Hereditary Cancer Syndrome; Neoplastic Syndromes, Hereditary; Tumor predisposition. Identifiers: Orphanet 140162, MedGen C0027672, MeSH D009386, MONDO:0015356.
Neurofibromatosis, type 1 (NF1). Also called: Neurofibromatosis, type I; NEUROFIBROMATOSIS, TYPE I, SOMATIC; Peripheral type neurofibromatosis; VON RECKLINGHAUSEN DISEASE. Identifiers: Orphanet 636, MedGen C0027831, MONDO:0018975, OMIM 162200. Disease mechanism: loss of function.

Submissions (2):

Ambry Genetics
Classification: Pathogenic for Cardiovascular phenotype; Hereditary cancer-predisposing syndrome. Last evaluated: 2024-10-09. Review status: criteria provided, single submitter. Criteria: Ambry Variant Classification Scheme 2023. Collection method: clinical testing. Allele origin: germline.
Comment: The c.8036_8037insTA pathogenic mutation, located in coding exon 54 of the NF1 gene, results from an insertion of two nucleotides at position 8036, causing a translational frameshift with a predicted alternate stop codon (p.S2680Nfs*39). This variant has been observed in at least one individual with a personal and/or family history that is consistent with neurofibromatosis type 1 (Ambry internal data). This variant is considered to be rare based on population cohorts in the Genome Aggregation Database (gnomAD). This alteration is expected to result in loss of function by premature protein truncation or nonsense-mediated mRNA decay. As such, this alteration is interpreted as a disease-causing mutation.

Labcorp Genetics (formerly Invitae), Labcorp
Classification: Pathogenic for Neurofibromatosis, type 1. Last evaluated: 2023-05-20. Review status: criteria provided, single submitter. Criteria: Invitae Variant Classification Sherloc (09022015). Collection method: clinical testing. Allele origin: germline.
Comment: For these reasons, this variant has been classified as Pathogenic. This sequence change creates a premature translational stop signal (p.Ser2680Asnfs*39) in the NF1 gene. It is expected to result in an absent or disrupted protein product. Loss-of-function variants in NF1 are known to be pathogenic (PMID: 10712197, 23913538). This variant is not present in population databases (gnomAD no frequency). This variant has not been reported in the literature in individuals affected with NF1-related conditions.

Literature cited by the submitters: PubMed 10712197 (cited by Labcorp Genetics (formerly Invitae), Labcorp); PubMed 23913538 (cited by Labcorp Genetics (formerly Invitae), Labcorp).

NM_001042492.3(NF1):c.8099_8100insTA (p.Ser2701fs)

Gene: NF1 (neurofibromin 1; plus strand). Cytogenetic location: 17q11.2.
Variant type: Insertion.
Coding change: c.8099_8100insTA on transcript NM_001042492.3 (MANE Select); coding-DNA positions 8099 to 8100, TA inserted.
Protein change: p.Ser2701fs; shifts the reading frame from serine 2701.
Molecular consequence: frameshift variant.
Genome position: GRCh38 VCF-style: chr17-31358608-C-CTA. GRCh37 (hg19) VCF-style: chr17-29685626-C-CTA.
Other names: c.8036_8037insTA, p.Ser2680Asnfs (NM_000267.4); short protein forms S2701fs, S2680fs.
Identifiers: ClinVar variation 2866232 (VCV002866232.4), dbSNP rs2508835680, ClinGen allele CA2739267306.